The following is an entry in ClinVar:

ClinVar aggregate classification (germline): Pathogenic (1 of 4 stars; one submission).

Conditions:
Fabry disease. Also called: Fabry's disease; ALPHA-GALACTOSIDASE A DEFICIENCY; ANDERSON-FABRY DISEASE; CERAMIDE TRIHEXOSIDASE DEFICIENCY; GLA DEFICIENCY; HEREDITARY DYSTOPIC LIPIDOSIS. Identifiers: Orphanet 324, MedGen C0002986, MONDO:0010526, OMIM 301500, HP:0001071. Disease mechanism: Fabry disease is due to inactivating mutations in the X-linked GLA gene resulting in deficiency of the enzyme Alpha Galactosidase-A., loss of function.

Submission:

Labcorp Genetics (formerly Invitae), Labcorp
Classification: Pathogenic for Fabry disease. Last evaluated: 2024-02-06. Review status: criteria provided, single submitter. Criteria: Invitae Variant Classification Sherloc (09022015). Collection method: clinical testing. Allele origin: germline.
Comment: This sequence change creates a premature translational stop signal (p.Ala257Glyfs*8) in the GLA gene. It is expected to result in an absent or disrupted protein product. Loss-of-function variants in GLA are known to be pathogenic (PMID: 10666480, 12175777). This variant is not present in population databases (gnomAD no frequency). This variant has not been reported in the literature in individuals affected with GLA-related conditions. Algorithms developed to predict the effect of sequence changes on RNA splicing suggest that this variant may disrupt the consensus splice site. For these reasons, this variant has been classified as Pathogenic.

Literature cited by the submitters: PubMed 10666480; PubMed 12175777.

NM_000169.3(GLA):c.769dup (p.Ala257fs)

Genes: GLA (galactosidase alpha; minus strand), RPL36A-HNRNPH2 (RPL36A-HNRNPH2 readthrough; plus strand). Cytogenetic location: Xq22.1.
Variant type: Duplication.
Coding change: c.769dup on transcript NM_000169.3 (MANE Select); coding-DNA position 769, one base duplicated (G; older notation c.769dupG).
Protein change: p.Ala257fs; shifts the reading frame from alanine 257.
Molecular consequence: frameshift variant. On other transcripts: non-coding transcript variant (3), intron variant (2).
Genome position (GRCh38, 1-based): chrX:101,398,817, C duplicated on the plus strand (G on the coding strand, the reverse complement: GLA is on the minus strand). VCF-style (leftmost placement, unchanged base first): chrX-101398816-G-GC. GRCh37 (hg19) VCF-style: chrX-100653804-G-GC.
Other names: c.892dup, p.Ala298fs (NM_001406747.1); c.769dup, p.Ala257fs (NM_001406748.1); c.300+3360dup (NM_001199973.2); c.177+6995dup (NM_001199974.2); short protein forms A257fs, A298fs.
Identifiers: ClinVar variation 3639075 (VCV003639075.2).